The following is an entry in ClinVar:

ClinVar aggregate classification (germline): Likely benign (1 of 4 stars; one submission).

Conditions:
DSP-related disorder. Also called: DSP-related condition; DSP-related disorders.

Submission:

PreventionGenetics, part of Exact Sciences
Classification: Likely benign for DSP-related condition. Last evaluated: 2026-07-21. Review status: criteria provided, single submitter. Criteria: ACMG Guidelines, 2015. Collection method: clinical testing. Allele origin: germline.
Comment: This variant is classified as likely benign based on ACMG/AMP sequence variant interpretation guidelines (Richards et al. 2015 PMID: 25741868, with internal and published modifications).

NM_004415.4(DSP):c.618C>T (p.Ala206=)

Gene: DSP (desmoplakin; plus strand). Cytogenetic location: 6p24.3.
Variant type: single nucleotide variant.
Coding change: c.618C>T on transcript NM_004415.4 (MANE Select); coding-DNA position 618, C replaced by T.
Protein change: p.Ala206=; no amino-acid change (alanine 206 retained).
Molecular consequence: synonymous variant.
Genome position (GRCh38, 1-based): chr6:7,562,672, C>T. VCF-style: chr6-7562672-C-T. GRCh37 (hg19) VCF-style: chr6-7562905-C-T.
Other names: c.618C>T, p.Ala206= (NM_001008844.3, NM_001319034.2, NM_001406591.1).
Identifiers: ClinVar variation 4982962 (VCV004982962.1).